The following is an entry in ClinVar:

NM_007194.4(CHEK2):c.1462-20T>G

Gene: CHEK2 (checkpoint kinase 2; minus strand). Cytogenetic location: 22q12.1.
Variant type: single nucleotide variant.
Coding change: c.1462-20T>G on transcript NM_007194.4 (MANE Select); 20 bases into the intron before coding-DNA position 1462, T replaced by G.
Molecular consequence: intron variant.
Genome position (GRCh38, 1-based): chr22:28,689,235, A>C on the plus strand (T>G on the coding strand, the complement: CHEK2 is on the minus strand). VCF-style: chr22-28689235-A-C. GRCh37 (hg19) VCF-style: chr22-29085223-A-C.
Other names: c.799-20T>G (NM_001437942.1, NM_001257387.3); c.1261-20T>G (NM_001349956.3); c.1375-20T>G (NM_145862.3); c.1468-20T>G (NM_001438295.1); c.1555-20T>G (NM_001438293.1); c.1504-20T>G (NM_001438294.1); c.1591-20T>G (NM_001005735.3).
Identifiers: ClinVar variation 518216 (VCV000518216.1), dbSNP rs747767986, ClinGen allele CA658799504.
Genomic context (GRCh38, chr22:28,689,235, plus strand): 5'-TCAGACAGAAGATCTTGAAACTTTCTCTTCATGTCTTCATCCTGTGAGGGAATTAAAAAC[A>C]TAAGTAGCTGTGTCTGAAGGATAATAAACTCCTAGAATGACAGGGCTAGCATGCCCCTGT-3'

ClinVar aggregate classification (germline): Likely benign (1 of 4 stars; one submission).

Submission:

GeneDx
Classification: Likely benign. Last evaluated: 2017-12-19. Review status: criteria provided, single submitter. Criteria: GeneDx Variant Classification (06012015). Collection method: clinical testing. Allele origin: germline. Affected: yes.
Comment: This variant is considered likely benign or benign based on one or more of the following criteria: it is a conservative change, it occurs at a poorly conserved position in the protein, it is predicted to be benign by multiple in silico algorithms, and/or has population frequency not consistent with disease.